The following is an entry in ClinVar:

ClinVar aggregate classification (germline): Pathogenic/Likely pathogenic. Review status: criteria provided, multiple submitters, no conflicts (2 of 4 stars). 2 submissions from 2 submitters: Pathogenic (1); Likely pathogenic (1). Last evaluated 2023-01-04.

Submissions (2):

GeneDx
Classification: Pathogenic. Last evaluated: 2023-01-04. Review status: criteria provided, single submitter. Criteria: GeneDx Variant Classification Process June 2021. Collection method: clinical testing. Allele origin: germline. Affected: yes.
Comment: Frameshift variant predicted to result in protein truncation, as the last 77 amino acids are replaced with 66 different amino acids, and other loss-of-function variants have been reported downstream in HGMD; Not observed at significant frequency in large population cohorts (gnomAD); Unpublished functional studies using patient fibroblasts carrying c.1129del in trans with c.974+115dup suggest that ATG9A transport and therefore AP-4 function is disrupted in these cells (External communication with Ebrahimi-Fakhari Lab - Boston Childrens Hospital, Harvard Medical School); Has not been previously published as pathogenic or benign to our knowledge

CeGaT Center for Human Genetics Tuebingen
Classification: Likely pathogenic. Last evaluated: 2019-07-01. Review status: criteria provided, single submitter. Criteria: CeGaT Center For Human Genetics Tuebingen Variant Classification Criteria Version 2. Collection method: clinical testing. Allele origin: germline. Affected: yes. Observed: 1 variant allele.

NM_004722.4(AP4M1):c.1129del (p.Leu377fs)

Gene: AP4M1 (adaptor related protein complex 4 subunit mu 1; plus strand). Cytogenetic location: 7q22.1.
Variant type: Deletion.
Coding change: c.1129del on transcript NM_004722.4 (MANE Select); coding-DNA position 1129, one base deleted (C; older notation c.1129delC).
Protein change: p.Leu377fs; shifts the reading frame from leucine 377.
Molecular consequence: frameshift variant.
Genome position (GRCh38, 1-based): chr7:100,106,506, C deleted; the last of 2 consecutive C bases (chr7:100,106,505-100,106,506); deleting either gives the same sequence. VCF-style (leftmost placement, unchanged base first): chr7-100106504-GC-G. GRCh37 (hg19) VCF-style: chr7-99704127-GC-G.
Other names: c.1150del, p.Leu384fs (NM_001363671.2); c.1129del (NM_004722.3); short protein forms L384fs, L377fs.
Identifiers: ClinVar variation 872276 (VCV000872276.42), dbSNP rs1432802140, ClinGen allele CA830448796.
Genomic context (GRCh38, chr7:100,106,504, plus strand): 5'-TGGCAGAGGGAGCCCTTCGCTGGGACCTGCCTCGGGTGCAAGGAGGCTCTCAACTCTCAG[GC>G]CTTTTCCAGGTATTCGCTGTGGACCCCCAGCCCCTCTCCTCCCACATTCACTTGCAGCCC-3'